The following is an entry in ClinVar:

ClinVar aggregate classification (germline): Uncertain significance (1 of 4 stars; one submission).

Conditions:
Gastrointestinal stromal tumor. Also called: Gastrointestinal stromal tumor, somatic; Gastrointestinal stroma tumor. Identifiers: Orphanet 44890, MedGen C0238198, MeSH D046152, MONDO:0011719, OMIM 606764, HP:0100723.

Submission:

Labcorp Genetics (formerly Invitae), Labcorp
Classification: Uncertain significance for Gastrointestinal stromal tumor. Last evaluated: 2022-01-26. Review status: criteria provided, single submitter. Criteria: Invitae Variant Classification Sherloc (09022015). Collection method: clinical testing. Allele origin: germline.
Comment: This variant has not been reported in the literature in individuals affected with KIT-related conditions. In summary, the available evidence is currently insufficient to determine the role of this variant in disease. Therefore, it has been classified as a Variant of Uncertain Significance. Algorithms developed to predict the effect of missense changes on protein structure and function are either unavailable or do not agree on the potential impact of this missense change (SIFT: "Deleterious"; PolyPhen-2: "Possibly Damaging"; Align-GVGD: "Class C0"). ClinVar contains an entry for this variant (Variation ID: 836958). This variant is not present in population databases (gnomAD no frequency). This sequence change replaces aspartic acid, which is acidic and polar, with valine, which is neutral and non-polar, at codon 439 of the KIT protein (p.Asp439Val).

NM_000222.3(KIT):c.1316A>T (p.Asp439Val)

Gene: KIT (KIT proto-oncogene, receptor tyrosine kinase; plus strand). Cytogenetic location: 4q12.
Variant type: single nucleotide variant.
Coding change: c.1316A>T on transcript NM_000222.3 (MANE Select); coding-DNA position 1316, A replaced by T.
Protein change: p.Asp439Val; replaces aspartic acid 439 with valine.
Molecular consequence: missense variant.
Genome position (GRCh38, 1-based): chr4:54,723,668, A>T. VCF-style: chr4-54723668-A-T. GRCh37 (hg19) VCF-style: chr4-55589834-A-T.
Other names: c.1316A>T, p.Asp439Val (NM_001093772.2, NM_001385285.1, NM_001385286.1); c.1319A>T, p.Asp440Val (NM_001385284.1, NM_001385288.1, NM_001385290.1 and 1 more transcripts); short protein forms D439V, D440V.
Identifiers: ClinVar variation 836958 (VCV000836958.18), dbSNP rs1476141776, ClinGen allele CA356905716.
Genomic context (GRCh38, chr4:54,723,668, plus strand): 5'-ACAGGCTCGTGAATGGCATGCTCCAATGTGTGGCAGCAGGATTCCCAGAGCCCACAATAG[A>T]TTGGTATTTTTGTCCAGGAACTGAGCAGAGGTGAGATGATTATTTTTGGCACTGCTTATA-3'
Protein context (NP_000213.1, residues 429-449): VAAGFPEPTI[Asp439Val]WYFCPGTEQR